The following is an entry in ClinVar:

NM_000516.7(GNAS):c.348del (p.Val117fs)

Gene: GNAS (GNAS complex locus; plus strand). Cytogenetic location: 20q13.32.
Variant type: Deletion.
Coding change: c.348del on transcript NM_000516.7 (MANE Select); coding-DNA position 348, one base deleted (C; older notation c.348delC).
Protein change: p.Val117fs; shifts the reading frame from valine 117.
Molecular consequence: frameshift variant. On other transcripts: 3 prime UTR variant (2).
Genome position (GRCh38, 1-based): chr20:58,903,707, C deleted; the last of 6 consecutive C bases (chr20:58,903,702-58,903,707); deleting any one gives the same sequence. VCF-style (leftmost placement, unchanged base first): chr20-58903701-GC-G. GRCh37 (hg19) VCF-style: chr20-57478756-GC-G.
Other names: c.351del, p.Val118fs (NM_001077488.5); c.303del, p.Val102fs (NM_001077489.4); c.*209del (NM_001077490.3); c.171del, p.Val58fs (NM_001309840.2, NM_001309861.2); c.*254del (NM_016592.5); c.2277del, p.Val760fs (NM_080425.4); c.306del, p.Val103fs (NM_080426.4); c.348delC (NM_000516.5); short protein forms V118fs, V58fs, V102fs, V103fs, V117fs, V760fs.
Identifiers: ClinVar variation 1354948 (VCV001354948.10), dbSNP rs2090848106, ClinGen allele CA2573157162.

ClinVar aggregate classification (germline): Pathogenic. Review status: criteria provided, multiple submitters, no conflicts (2 of 4 stars). 5 submissions from 4 submitters: Pathogenic (3). 2 of the submissions do not count toward it. Last evaluated 2025-10-08.

Conditions:
GNAS-related disorder. Identifiers: MedGen CN380105.
Pseudohypoparathyroidism (PHP1A). Identifiers: Orphanet 79443, Orphanet 97593, MedGen C0033806, MONDO:0019992, HP:0000852.
Progressive osseous heteroplasia (POH). Also called: Osteoma cutis; Progressive Osseus Heteroplasia (POH); ECTOPIC OSSIFICATION, FAMILIAL; Osseus Heteroplasia, Progressive. Identifiers: Orphanet 2762, MedGen C0334041, MONDO:0008153, OMIM 166350, HP:0025027.
Pseudohypoparathyroidism type I A (PHP1A). Also called: Pseudohypoparathyroidism type 1A; Pseudohypoparathyroidism Ia (PHP-Ia); PHP IA; Pseudohypoparathyroidism Type IA; ALBRIGHT HEREDITARY OSTEODYSTROPHY WITH MULTIPLE HORMONE RESISTANCE. Identifiers: Orphanet 79443, MedGen C3494506, MONDO:0007078, OMIM 103580.

Submissions (5):

Labcorp Genetics (formerly Invitae), Labcorp
Classification: Pathogenic. Last evaluated: 2025-10-08. Review status: criteria provided, single submitter. Criteria: Invitae Variant Classification Sherloc (09022015). Collection method: clinical testing. Allele origin: germline.
Comment: This sequence change creates a premature translational stop signal (p.Val117Trpfs*16) in the GNAS gene. It is expected to result in an absent or disrupted protein product. Loss-of-function variants in GNAS are known to be pathogenic (PMID: 11784876, 23281139, 23796510, 25802881). This variant is not present in population databases (gnomAD no frequency). This premature translational stop signal has been observed in individual(s) with clinical features of pseudohypoparathyroidism (PMID: 8557265). This variant is also known as a deletion of a C in codon 116. ClinVar contains an entry for this variant (Variation ID: 1354948). For these reasons, this variant has been classified as Pathogenic.

PreventionGenetics, part of Exact Sciences
Classification: Pathogenic for GNAS-related condition. Last evaluated: 2025-09-29. Review status: criteria provided, single submitter. Criteria: ACMG Guidelines, 2015. Collection method: clinical testing. Allele origin: germline.
Comment: The GNAS c.348delC variant is predicted to result in a frameshift and premature protein termination (p.Val117Trpfs*16 ). This variant has been reported to be causative for pseudohypoparathyroidism Ia (Shapira et al. 1996. PubMed ID: 8557265; Kim et al. 2023. PubMed ID: 38061755). This variant has not been reported in a large population database (gnomAD), indicating this variant is rare. Frameshift variants in GNAS are expected to be pathogenic. This variant is interpreted as pathogenic.

Victorian Clinical Genetics Services, Murdoch Childrens Research Institute
Classification: Pathogenic for Pseudohypoparathyroidism type I A. Last evaluated: 2024-10-29. Review status: criteria provided, single submitter. Criteria: ACMG Guidelines, 2015. Collection method: clinical testing. Allele origin: germline. Affected: yes.
Comment: This variant is classified as Pathogenic. Evidence in support of pathogenic classification: Variant is predicted to cause nonsense-mediated decay (NMD) and loss of protein (premature termination codon is located at least 54 nucleotides upstream of the final exon-exon junction); Variant is absent from gnomAD (v2, v3 and v4); This variant has strong previous evidence of pathogenicity in unrelated individuals. This variant has been reported pathogenic in individuals with pseudohypoparathyroidism Ia (PHP1A) and other GNAS-related disorders (ClinVar, LOVD, PMIDs: 38061755, 12621129, 36662765); Other NMD-predicted variants comparable to the one identified in this case have very strong previous evidence for pathogenicity (DECIPHER); Additional information: This variant is heterozygous; This gene is associated with autosomal dominant disease; Loss of function and gain of function are known mechanisms of disease in this gene. Loss of function has been associated with the hypoparathyroidism phenotypes (PMID: 10980525), while gain of function has been reported for somatic variants in cancers (PMID: 11588148); This gene is known to be imprinted (OMIM, PMID:10980525); Variants in this gene are known to have variable expressivity. Although some probands diagnosed with a disorder of GNAS inactivation have an affected parent, the family history may appear to be negative because of failure to recognize the disorder in other family members (PMID: 29072892).

OMIM
Classification: Pathogenic for OSSEOUS HETEROPLASIA, PROGRESSIVE. Last evaluated: 2002-01-10. Review status: no assertion criteria provided. Collection method: literature only. Allele origin: germline. Not counted in ClinVar's aggregate classification.

OMIM
Classification: Pathogenic for PSEUDOHYPOPARATHYROIDISM, TYPE IA. Last evaluated: 2002-01-10. Review status: no assertion criteria provided. Collection method: literature only. Allele origin: germline. Not counted in ClinVar's aggregate classification.

Literature cited by the submitters: PubMed 11784876 (cited by Labcorp Genetics (formerly Invitae), Labcorp and OMIM); PubMed 23281139 (cited by Labcorp Genetics (formerly Invitae), Labcorp); PubMed 23796510 (cited by Labcorp Genetics (formerly Invitae), Labcorp); PubMed 25802881 (cited by Labcorp Genetics (formerly Invitae), Labcorp); PubMed 8557265 (cited by Labcorp Genetics (formerly Invitae), Labcorp and OMIM); PubMed 36662765 (cited by Victorian Clinical Genetics Services, Murdoch Childrens Research Institute); PubMed 11588148 (cited by Victorian Clinical Genetics Services, Murdoch Childrens Research Institute); PubMed 12621129 (cited by Victorian Clinical Genetics Services, Murdoch Childrens Research Institute); PubMed 10980525 (cited by Victorian Clinical Genetics Services, Murdoch Childrens Research Institute); PubMed 29072892 (cited by Victorian Clinical Genetics Services, Murdoch Childrens Research Institute); PubMed 38061755 (cited by Victorian Clinical Genetics Services, Murdoch Childrens Research Institute).